The following is an entry in ClinVar:

ClinVar aggregate classification (germline): Uncertain significance. Review status: criteria provided, multiple submitters, no conflicts (2 of 4 stars). 2 submissions from 2 submitters: Uncertain significance (2). Last evaluated 2025-04-19.

Conditions:
Inborn genetic diseases. Identifiers: MedGen C0950123, MeSH D030342.
Dyskeratosis congenita, autosomal recessive 5 (DKCB5). Identifiers: MedGen C3554656, MONDO:0014076, OMIM 615190.
Pulmonary fibrosis and/or bone marrow failure, Telomere-related, 3. Also called: PULMONARY FIBROSIS AND/OR BONE MARROW FAILURE SYNDROME, TELOMERE-RELATED, 3. Identifiers: Orphanet 2032, MedGen C4225346, MONDO:0014613, OMIM 616373.

gnomAD v4.1: 2 of 1,613,952 alleles (0.00012%); no homozygotes.

Submissions (2):

Ambry Genetics
Classification: Uncertain significance for Inborn genetic diseases. Last evaluated: 2025-04-19. Review status: criteria provided, single submitter. Criteria: Ambry Variant Classification Scheme 2023. Collection method: clinical testing. Allele origin: germline.
Comment: The p.R70G variant (also known as c.208C>G), located in coding exon 2 of the RTEL1 gene, results from a C to G substitution at nucleotide position 208. The arginine at codon 70 is replaced by glycine, an amino acid with dissimilar properties. This amino acid position is conserved. In addition, this alteration is predicted to be tolerated by in silico analysis. Based on the available evidence, the clinical significance of this variant remains unclear.

Labcorp Genetics (formerly Invitae), Labcorp
Classification: Uncertain significance for Dyskeratosis congenita, autosomal recessive 5; Pulmonary fibrosis and/or bone marrow failure, Telomere-related, 3. Last evaluated: 2023-08-17. Review status: criteria provided, single submitter. Criteria: Invitae Variant Classification Sherloc (09022015). Collection method: clinical testing. Allele origin: germline.
Comment: In summary, the available evidence is currently insufficient to determine the role of this variant in disease. Therefore, it has been classified as a Variant of Uncertain Significance. An algorithm developed to predict the effect of missense changes on protein structure and function (PolyPhen-2) suggests that this variant is likely to be tolerated. ClinVar contains an entry for this variant (Variation ID: 1907017). This variant has not been reported in the literature in individuals affected with RTEL1-related conditions. This variant is not present in population databases (gnomAD no frequency). This sequence change replaces arginine, which is basic and polar, with glycine, which is neutral and non-polar, at codon 70 of the RTEL1 protein (p.Arg70Gly).

NM_001283009.2(RTEL1):c.208C>G (p.Arg70Gly)

Genes: RTEL1 (regulator of telomere elongation helicase 1; plus strand), RTEL1-TNFRSF6B (RTEL1-TNFRSF6B readthrough (NMD candidate); plus strand). Cytogenetic location: 20q13.33.
Variant type: single nucleotide variant.
Coding change: c.208C>G on transcript NM_001283009.2 (MANE Select); coding-DNA position 208, C replaced by G.
Protein change: p.Arg70Gly; replaces arginine 70 with glycine.
Molecular consequence: missense variant. On other transcripts: non-coding transcript variant (1), 5 prime UTR variant (1).
Genome position (GRCh38, 1-based): chr20:63,661,403, C>G. VCF-style: chr20-63661403-C-G. GRCh37 (hg19) VCF-style: chr20-62292756-C-G.
Other names: c.-462C>G (NM_001283010.1); c.208C>G, p.Arg70Gly (NM_016434.4, NM_032957.5); short protein forms R70G.
Identifiers: ClinVar variation 1907017 (VCV001907017.6), dbSNP rs778775766, ClinGen allele CA409657958.